The following is an entry in ClinVar:

NM_000876.4(IGF2R):c.6387T>C (p.Pro2129=)

Gene: IGF2R (insulin like growth factor 2 receptor; plus strand). Cytogenetic location: 6q25.3.
Variant type: single nucleotide variant.
Coding change: c.6387T>C on transcript NM_000876.4 (MANE Select); coding-DNA position 6387, T replaced by C.
Protein change: p.Pro2129=; no amino-acid change (proline 2129 retained).
Molecular consequence: synonymous variant.
Genome position (GRCh38, 1-based): chr6:160,089,173, T>C. VCF-style: chr6-160089173-T-C. GRCh37 (hg19) VCF-style: chr6-160510205-T-C.
Identifiers: ClinVar variation 718332 (VCV000718332.28), dbSNP rs55987511, ClinGen allele CA4083217.

ClinVar aggregate classification (germline): Benign/Likely benign. Review status: criteria provided, multiple submitters, no conflicts (2 of 4 stars). 2 submissions from 2 submitters: Benign (1); Likely benign (1). Last evaluated 2022-11-01.

Allele frequency attached by ClinVar (database versions not stated): 1000 Genomes Project 30x 0.00250; 1000 Genomes Project 0.00260; TOPMed 0.00368; ESP Exome Variant Server 0.00531; gnomAD 0.00537 and 0.00560; gnomAD exomes 0.00602 and 0.00639; ExAC 0.00682.
gnomAD v4.1: 10,019 of 1,613,790 alleles (0.62%); highest among the groups gnomAD compares: Non-Finnish European, 0.68%; 56 homozygotes.

Submissions (2):

CeGaT Center for Human Genetics Tuebingen
Classification: Likely benign. Last evaluated: 2022-11-01. Review status: criteria provided, single submitter. Criteria: CeGaT Center For Human Genetics Tuebingen Variant Classification Criteria Version 2. Collection method: clinical testing. Allele origin: germline. Affected: yes. Observed: 1 variant allele.
Comment: IGF2R: BP4, BP7, BS2

Labcorp Genetics (formerly Invitae), Labcorp
Classification: Benign. Last evaluated: 2019-12-31. Review status: criteria provided, single submitter. Criteria: Invitae Variant Classification Sherloc (09022015). Collection method: clinical testing. Allele origin: germline.